The following is an entry in ClinVar:

ClinVar aggregate classification (germline): Pathogenic. Review status: criteria provided, multiple submitters, no conflicts (2 of 4 stars). 3 submissions from 3 submitters: Pathogenic (3). Last evaluated 2025-05-13.

Conditions:
Hereditary insensitivity to pain with anhidrosis (CIPA). Also called: NTRK1 Congenital Insensitivity to Pain with Anhidrosis; FAMILIAL DYSAUTONOMIA, TYPE II; hereditary sensory and autonomic neuropathy type 4; INSENSITIVITY TO PAIN, CONGENITAL, WITH ANHIDROSIS; NEUROPATHY, CONGENITAL SENSORY, WITH ANHIDROSIS; HSAN Type IV. Identifiers: Orphanet 642, MedGen C0020074, MONDO:0009746, OMIM 256800.

Allele frequency attached by ClinVar (database versions not stated): TOPMed 0.00001.

Submissions (3):

Natera, Inc.
Classification: Pathogenic for Hereditary insensitivity to pain with anhidrosis. Last evaluated: 2025-05-13. Review status: criteria provided, single submitter. Criteria: Natera Variant Classification Schema (03/2026). Collection method: clinical testing. Allele origin: germline.
Comment: The c.2115G>A variant in NTRK1 is a nonsense variant predicted to introduce a stop codon at amino acid 705. This variant is expected to result in nonsense mediated decay, truncation, or a dysfunctional protein product. This variant is rare in the general population with a frequency below the threshold expected for the associated phenotype(s). This variant has been observed in one or more individuals affected with the associated recessive disease, as either homozygous or compound heterozygous with a second variant (PMID: 31069529). Given the available evidence, this variant is classified as Pathogenic.

Fulgent Genetics
Classification: Pathogenic for Hereditary insensitivity to pain with anhidrosis. Last evaluated: 2024-05-07. Review status: criteria provided, single submitter. Criteria: ACMG Guidelines, 2015. Collection method: clinical testing. Allele origin: germline.

Labcorp Genetics (formerly Invitae), Labcorp
Classification: Pathogenic for Hereditary insensitivity to pain with anhidrosis. Last evaluated: 2023-09-06. Review status: criteria provided, single submitter. Criteria: Invitae Variant Classification Sherloc (09022015). Collection method: clinical testing. Allele origin: germline.
Comment: ClinVar contains an entry for this variant (Variation ID: 1076078). This premature translational stop signal has been observed in individual(s) with congenital insensitivity to pain (CIPA) and anhidrosis/hereditary sensory and autonomic neuropathy IV (Invitae). This variant is not present in population databases (gnomAD no frequency). This sequence change creates a premature translational stop signal (p.Trp705*) in the NTRK1 gene. It is expected to result in an absent or disrupted protein product. Loss-of-function variants in NTRK1 are known to be pathogenic (PMID: 10982191). For these reasons, this variant has been classified as Pathogenic.

Literature cited by the submitters: PubMed 31069529 (cited by Natera, Inc.); PubMed 10982191 (cited by Labcorp Genetics (formerly Invitae), Labcorp).

NM_002529.4(NTRK1):c.2133G>A (p.Trp711Ter)

Gene: NTRK1 (neurotrophic receptor tyrosine kinase 1; plus strand). Cytogenetic location: 1q23.1.
Variant type: single nucleotide variant.
Coding change: c.2133G>A on transcript NM_002529.4 (MANE Select); coding-DNA position 2133, G replaced by A.
Protein change: p.Trp711Ter; replaces tryptophan 711 with a stop codon.
Molecular consequence: nonsense.
Genome position (GRCh38, 1-based): chr1:156,880,085, G>A. VCF-style: chr1-156880085-G-A. GRCh37 (hg19) VCF-style: chr1-156849877-G-A.
Other names: c.2025G>A, p.Trp675Ter (NM_001007792.1); c.2115G>A, p.Trp705Ter (NM_001012331.2); c.2115G>A (NM_001012331.1); short protein forms W675*, W705*, W711*.
Identifiers: ClinVar variation 1076078 (VCV001076078.11), dbSNP rs1393272944, ClinGen allele CA342940465.